The following is an entry in ClinVar:

NC_000023.10:g.(?_31223726)_(31224733_?)del

Gene: DMD (dystrophin; minus strand). Cytogenetic location: Xp21.2.
Variant type: Deletion.
Identifiers: ClinVar variation 1511635 (VCV001511635.5).

ClinVar aggregate classification (germline): Likely pathogenic (1 of 4 stars; one submission).

Conditions:
Duchenne muscular dystrophy (DMD). Also called: Duchenne Muscular Dystrophy (DMD); MUSCULAR DYSTROPHY, PSEUDOHYPERTROPHIC PROGRESSIVE, DUCHENNE TYPE. Identifiers: Orphanet 98896, MedGen C0013264, MONDO:0010679, OMIM 310200.

Submission:

Labcorp Genetics (formerly Invitae), Labcorp
Classification: Likely pathogenic for Duchenne muscular dystrophy. Last evaluated: 2021-08-11. Review status: criteria provided, single submitter. Criteria: Invitae Variant Classification Sherloc (09022015). Collection method: clinical testing. Allele origin: germline.
Comment: This variant results in the deletion of part of exon 66 (c.9615_9649+973del) of the DMD gene. It is expected to disrupt RNA splicing. Variants that disrupt the donor or acceptor splice site typically lead to a loss of protein function (PMID: 16199547), and loss-of-function variants in DMD are known to be pathogenic (PMID: 16770791, 25007885). This variant has been observed in individual(s) with clinical features of DMD-related conditions (Invitae). In summary, the currently available evidence indicates that the variant is pathogenic, but additional data are needed to prove that conclusively. Therefore, this variant has been classified as Likely Pathogenic.

Literature cited by the submitters: PubMed 16199547; PubMed 16770791; PubMed 25007885.